The following is an entry in ClinVar:

NM_024420.3(PLA2G4A):c.1129G>A (p.Val377Ile)

Gene: PLA2G4A (phospholipase A2 group IVA; plus strand). Cytogenetic location: 1q31.1.
Variant type: single nucleotide variant.
Coding change: c.1129G>A on transcript NM_024420.3 (MANE Select); coding-DNA position 1129, G replaced by A.
Protein change: p.Val377Ile; replaces valine 377 with isoleucine.
Molecular consequence: missense variant.
Genome position (GRCh38, 1-based): chr1:186,946,732, G>A. VCF-style: chr1-186946732-G-A. GRCh37 (hg19) VCF-style: chr1-186915864-G-A.
Other names: c.949G>A, p.Val317Ile (NM_001311193.2); short protein forms V317I, V377I.
Identifiers: ClinVar variation 1932064 (VCV001932064.3), dbSNP rs779005617, ClinGen allele CA1300128.

ClinVar aggregate classification (germline): Uncertain significance (1 of 4 stars; one submission).

Allele frequency attached by ClinVar (database versions not stated): ExAC 0.00001; gnomAD 0.00001; gnomAD exomes 0.00001; TOPMed 0.00001.
gnomAD v4.1: 7 of 1,612,142 alleles (0.00043%); highest among the groups gnomAD compares: Admixed American, 0.0067%; no homozygotes.

Submission:

Labcorp Genetics (formerly Invitae), Labcorp
Classification: Uncertain significance. Last evaluated: 2023-12-07. Review status: criteria provided, single submitter. Criteria: Invitae Variant Classification Sherloc (09022015). Collection method: clinical testing. Allele origin: germline.
Comment: This sequence change replaces valine, which is neutral and non-polar, with isoleucine, which is neutral and non-polar, at codon 377 of the PLA2G4A protein (p.Val377Ile). This variant is present in population databases (rs779005617, gnomAD 0.01%). This variant has not been reported in the literature in individuals affected with PLA2G4A-related conditions. ClinVar contains an entry for this variant (Variation ID: 1932064). Advanced modeling of protein sequence and biophysical properties (such as structural, functional, and spatial information, amino acid conservation, physicochemical variation, residue mobility, and thermodynamic stability) performed at Invitae indicates that this missense variant is not expected to disrupt PLA2G4A protein function with a negative predictive value of 80%. In summary, the available evidence is currently insufficient to determine the role of this variant in disease. Therefore, it has been classified as a Variant of Uncertain Significance.